The following is an entry in ClinVar:

NM_024757.5(EHMT1):c.696A>T (p.Glu232Asp)

Gene: EHMT1 (euchromatic histone lysine methyltransferase 1; plus strand). Cytogenetic location: 9q34.3.
Variant type: single nucleotide variant.
Coding change: c.696A>T on transcript NM_024757.5 (MANE Select); coding-DNA position 696, A replaced by T.
Protein change: p.Glu232Asp; replaces glutamic acid 232 with aspartic acid.
Molecular consequence: missense variant.
Genome position (GRCh38, 1-based): chr9:137,728,402, A>T. VCF-style: chr9-137728402-A-T. GRCh37 (hg19) VCF-style: chr9-140622854-A-T.
Other names: c.696A>T, p.Glu232Asp (NM_001145527.2, NM_001354263.2, NM_001354611.2); c.603A>T, p.Glu201Asp (NM_001354259.2, NM_001354612.2); short protein forms E201D, E232D.
Identifiers: ClinVar variation 1524916 (VCV001524916.6), dbSNP rs2135783334, ClinGen allele CA375771864.

ClinVar aggregate classification (germline): Uncertain significance (1 of 4 stars; one submission).

Conditions:
Kleefstra syndrome 1 (KLEFS1). Identifiers: Orphanet 261494, MedGen C0795833, MONDO:0027407, OMIM 610253.

Submission:

Labcorp Genetics (formerly Invitae), Labcorp
Classification: Uncertain significance for Kleefstra syndrome 1. Last evaluated: 2022-06-13. Review status: criteria provided, single submitter. Criteria: Invitae Variant Classification Sherloc (09022015). Collection method: clinical testing. Allele origin: germline.
Comment: In summary, the available evidence is currently insufficient to determine the role of this variant in disease. Therefore, it has been classified as a Variant of Uncertain Significance. Algorithms developed to predict the effect of missense changes on protein structure and function (SIFT, PolyPhen-2, Align-GVGD) all suggest that this variant is likely to be tolerated. This variant has not been reported in the literature in individuals affected with EHMT1-related conditions. This variant is not present in population databases (gnomAD no frequency). This sequence change replaces glutamic acid, which is acidic and polar, with aspartic acid, which is acidic and polar, at codon 232 of the EHMT1 protein (p.Glu232Asp).